The following is an entry in ClinVar:

NM_001372044.2(SHANK3):c.504del (p.Lys168fs)

Gene: SHANK3 (SH3 and multiple ankyrin repeat domains 3; plus strand). Cytogenetic location: 22q13.33.
Variant type: Deletion.
Coding change: c.504del on transcript NM_001372044.2 (MANE Select); coding-DNA position 504, one base deleted (G; older notation c.504delG).
Protein change: p.Lys168fs; shifts the reading frame from lysine 168.
Molecular consequence: frameshift variant.
Genome position (GRCh38, 1-based): chr22:50,676,633, G deleted. VCF-style (leftmost placement, unchanged base first): chr22-50676632-AG-A. GRCh37 (hg19) VCF-style: chr22-51115060-AG-A.
Other names: c.279delG (NM_033517.1); short protein forms K168fs.
Identifiers: ClinVar variation 3255056 (VCV003255056.2), dbSNP rs2518371261.

ClinVar aggregate classification (germline): Pathogenic (1 of 4 stars; one submission).

Conditions:
Phelan-McDermid syndrome. Also called: TELOMERIC 22q13 MONOSOMY SYNDROME; 22q13.3 deletion syndrome; Phelan-McDermid Syndrome-SHANK3 Related. Identifiers: Orphanet 48652, MedGen C1853490, MONDO:0011652, OMIM 606232.

Submission:

Victorian Clinical Genetics Services, Murdoch Childrens Research Institute
Classification: Pathogenic for Phelan-McDermid syndrome. Last evaluated: 2024-09-20. Review status: criteria provided, single submitter. Criteria: ACMG Guidelines, 2015. Collection method: clinical testing. Allele origin: germline. Inheritance: Autosomal dominant inheritance.
Comment: Based on the classification scheme VCGS_Germline_v1.3.3, this variant is classified as Pathogenic. Following criteria are met: 0102 - Loss of function is a known mechanism of disease in this gene and is associated with Phelan-McDermid syndrome (MIM#606232). (I) 0107 - This gene is associated with autosomal dominant disease. (I) 0201 - Variant is predicted to cause nonsense-mediated decay (NMD) and loss of protein (premature termination codon is located at least 54 nucleotides upstream of the final exon-exon junction). (SP) 0251 - This variant is heterozygous. (I) 0301 - Variant is absent from gnomAD (both v2 and v3). (SP) 0701 - Other NMD-predicted variants comparable to the one identified in this case have very strong previous evidence for pathogenicity. Many NMD-predicted variants have been reported in affected individuals in disease databases and the literature (ClinVar, PMID:29719671). (SP) 0807 - This variant has no previous evidence of pathogenicity. (I) 1208 - Inheritance information for this variant is not currently available in this individual. (I) Legend: (SP) - Supporting pathogenic, (I) - Information, (SB) - Supporting benign

Literature cited by the submitters: PubMed 29719671.